The following is an entry in ClinVar:

ClinVar aggregate classification (germline): Uncertain significance. Review status: reviewed by expert panel (3 of 4 stars). 4 submissions from 4 submitters: Uncertain significance (1). 3 of the submissions do not count toward it. Last evaluated 2024-12-09.

Conditions:
MT-ATP6-related disorder.
Leber optic atrophy (LHON). Also called: Leber hereditary optic neuropathy; Leber's disease; Leber's optic atrophy; Optic Atrophy, Hereditary, Leber. Identifiers: Orphanet 104, MedGen C0917796, MONDO:0010788, OMIM 535000, HP:0001112.
Leigh syndrome (NULS). Also called: Leigh's syndrome; Leigh Disease; Leigh's necrotizing encephalopathy; Leigh's disease; Subacute necrotizing encephalopathy; Necrotizing encephalopathy infantile subacute of Leigh. Identifiers: Orphanet 506, MedGen C2931891, MONDO:0009723, OMIM 256000.
Mitochondrial disease. Also called: Mitochondrial disorder; Mitochondrial disorders. Identifiers: Orphanet 68380, MedGen C0751651, MeSH D028361, MONDO:0044970.

Submissions (4):

ClinGen Mitochondrial Disease Nuclear and Mitochondrial  Variant Curation Expert Panel, ClinGen
Classification: Uncertain significance for Mitochondrial disease. Last evaluated: 2024-12-09. Review status: reviewed by expert panel. Criteria: clingen mito disease acmg specifications v1-1. Collection method: curation. Allele origin: germline. Inheritance: Mitochondrial inheritance.
Comment: The m.8783G>A (p.G86E) variant in MT-ATP6 has been reported in one individual with primary mitochondrial disease to date however clinical details are not provided (PMID: 32652755). There are no reports of large families with this variant segregating with disease. There are no reported de novo occurrences of this variant to our knowledge. This variant is present in population databases (0.002%; one homoplasmic occurrence in MITOMAP; one homoplasmic and six heteroplasmic occurrences in gnomAD v3.1.2; four homoplasmic and nine heteroplasmic occurrences in the Helix database). The computational predictor APOGEE gives a consensus rating of pathogenic with a score of 0.59 (Min=0, Max=1; APOGEE2 score is 0.819), which predicts a damaging effect on gene function (PP3). There are no cybrids, single fiber studies, or other functional assays reported on this variant. In summary, this variant meets criteria to be classified as uncertain significance for primary mitochondrial disease inherited in a mitochondrial manner. This classification was approved by the NICHD/NINDS U24 ClinGen Mitochondrial Disease Variant Curation Expert Panel on December 9, 2024. Mitochondrial DNA-specific ACMG/AMP criteria applied (PMID: 32906214): PP3.

3billion
Classification: Uncertain significance for MT-ATP6-related disorder. Last evaluated: 2025-10-25. Review status: criteria provided, single submitter. Criteria: ACMG Guidelines, 2015. Collection method: clinical testing. Allele origin: germline. Affected: yes. Not counted in ClinVar's aggregate classification.
Comment: The variant is observed at an extremely low frequency in the gnomAD v4.1.0 dataset (heteroplasmic allele frequency: 0.011% and homoplasmic allele frequency: 0.002%). Predicted Consequence/Location: Mitochondrial variant In silico tool predictions suggest damaging effect of the variant on gene or gene product [APOGEE2: 0.82 (>= 0.716)]. The same nucleotide change resulting in the same amino acid change has been previously reported as pathogenic/likely pathogenic with strong evidence (3billion dataset/ClinVar ID: VCV000692983). Therefore, this variant is classified as VUS according to the recommendation of ACMG/AMP guideline.

Mendelics
Classification: Pathogenic for Leber optic atrophy. Last evaluated: 2022-05-04. Review status: criteria provided, single submitter. Criteria: Mendelics Assertion Criteria 2019. Collection method: clinical testing. Allele origin: germline. Not counted in ClinVar's aggregate classification.

Wong Mito Lab, Molecular and Human Genetics, Baylor College of Medicine
Classification: Likely pathogenic for Leigh syndrome. Last evaluated: 2019-10-17. Review status: criteria provided, single submitter. Criteria: Modified ACMG Guidelines (Unpublished). Collection method: clinical testing. Allele origin: germline. Not counted in ClinVar's aggregate classification.
Comment: The NC_012920.1:m.8783G>A (YP_003024031.1:p.Gly86Glu) variant in MTATP6 gene is interpretated to be a Likely Pathogenic variant based on the modified ACMG guidelines (unpublished). This variant meets the following evidence codes: PM9, PP3, PP4, PP6, PP7

NC_012920.1(MT-ATP6):m.8783G>A

Gene: MT-ATP6 (mitochondrially encoded ATP synthase 6; plus strand).
Variant type: single nucleotide variant.
Genome position: chrM-8783-G-A.
Identifiers: ClinVar variation 692983 (VCV000692983.4), dbSNP rs1603221804, ClinGen allele CA414798058.
Genomic context (GRCh38, chrMT:8,783, plus strand): 5'-GAACCTGATCTCTTATACTAGTATCCTTAATCATTTTTATTGCCACAACTAACCTCCTCG[G>A]ACTCCTGCCTCACTCATTTACACCAACCACCCAACTATCTATAAACCTAGCCATGGCCAT-3'